The following is an entry in ClinVar:

ClinVar aggregate classification (germline): Uncertain significance. Review status: criteria provided, multiple submitters, no conflicts (2 of 4 stars). 2 submissions from 2 submitters: Uncertain significance (2). Last evaluated 2025-08-29.

Conditions:
Inborn genetic diseases. Identifiers: MedGen C0950123, MeSH D030342.

Allele frequency attached by ClinVar (database versions not stated): gnomAD exomes below 0.00001; gnomAD 0.00001; TOPMed 0.00001.
gnomAD v4.1: 7 of 1,234,812 alleles (0.00057%); highest among the groups gnomAD compares: East Asian, 0.0088%; no homozygotes.

Submissions (2):

Ambry Genetics
Classification: Uncertain significance for Inborn genetic diseases. Last evaluated: 2025-08-29. Review status: criteria provided, single submitter. Criteria: Ambry Variant Classification Scheme 2023. Collection method: clinical testing. Allele origin: germline.

Labcorp Genetics (formerly Invitae), Labcorp
Classification: Uncertain significance. Last evaluated: 2022-02-20. Review status: criteria provided, single submitter. Criteria: Invitae Variant Classification Sherloc (09022015). Collection method: clinical testing. Allele origin: germline.
Comment: This sequence change replaces valine, which is neutral and non-polar, with methionine, which is neutral and non-polar, at codon 15 of the TPRN protein (p.Val15Met). This variant is not present in population databases (gnomAD no frequency). This variant has not been reported in the literature in individuals affected with TPRN-related conditions. Algorithms developed to predict the effect of missense changes on protein structure and function output the following: SIFT: "Tolerated"; PolyPhen-2: "Benign"; Align-GVGD: "Class C0". The methionine amino acid residue is found in multiple mammalian species, which suggests that this missense change does not adversely affect protein function. In summary, the available evidence is currently insufficient to determine the role of this variant in disease. Therefore, it has been classified as a Variant of Uncertain Significance.

NM_001128228.3(TPRN):c.43G>A (p.Val15Met)

Genes: TPRN (taperin; minus strand), LOC130003093 (ATAC-STARR-seq lymphoblastoid silent region 20590; plus strand). Cytogenetic location: 9q34.3.
Variant type: single nucleotide variant.
Coding change: c.43G>A on transcript NM_001128228.3 (MANE Select); coding-DNA position 43, G replaced by A.
Protein change: p.Val15Met; replaces valine 15 with methionine.
Molecular consequence: missense variant.
Genome position (GRCh38, 1-based): chr9:137,200,669, C>T on the plus strand (G>A on the coding strand, the complement: TPRN is on the minus strand). VCF-style: chr9-137200669-C-T. GRCh37 (hg19) VCF-style: chr9-140095121-C-T.
Other names: c.43G>A (NM_001128228.2); short protein forms V15M.
Identifiers: ClinVar variation 1507117 (VCV001507117.6), dbSNP rs1390141611, ClinGen allele CA375784834.